The following is an entry in ClinVar:

ClinVar aggregate classification (germline): Conflicting classifications of pathogenicity. Review status: criteria provided, conflicting classifications (1 of 4 stars). 2 submissions from 2 submitters: Uncertain significance (1); Likely benign (1). Last evaluated 2026-01-13.

Conditions:
Brugada syndrome. Also called: Sudden unexpected nocturnal death syndrome; Sudden unexplained nocturnal death syndrome; Sudden Unexplained Death Syndrome; Sudden Unexplained Nocturnal Death Syndrome (SUNDS). Identifiers: Orphanet 130, MedGen C1142166, MONDO:0015263.
Cardiovascular phenotype. Identifiers: MedGen CN230736.

Allele frequency attached by ClinVar (database versions not stated): gnomAD exomes 0.00002 and 0.00003; ExAC 0.00003; gnomAD 0.00015 and 0.00016; TOPMed 0.00017; ESP Exome Variant Server 0.00038.
gnomAD v4.1: 54 of 1,612,598 alleles (0.0033%); highest among the groups gnomAD compares: African/African-American, 0.059%; no homozygotes.

Submissions (2):

Labcorp Genetics (formerly Invitae), Labcorp
Classification: Uncertain significance for Brugada syndrome. Last evaluated: 2026-01-13. Review status: criteria provided, single submitter. Criteria: Invitae Variant Classification Sherloc (09022015). Collection method: clinical testing. Allele origin: germline.
Comment: This sequence change replaces isoleucine, which is neutral and non-polar, with valine, which is neutral and non-polar, at codon 178 of the CACNA2D1 protein (p.Ile178Val). This variant is present in population databases (rs80063198, gnomAD 0.04%). This variant has not been reported in the literature in individuals affected with CACNA2D1-related conditions. ClinVar contains an entry for this variant (Variation ID: 952261). An algorithm developed to predict the effect of missense changes on protein structure and function (PolyPhen-2) suggests that this variant is likely to be disruptive. Algorithms developed to predict the effect of sequence changes on RNA splicing suggest that this variant may create or strengthen a splice site. In summary, the available evidence is currently insufficient to determine the role of this variant in disease. Therefore, it has been classified as a Variant of Uncertain Significance.

Ambry Genetics
Classification: Likely benign for Cardiovascular phenotype. Last evaluated: 2024-09-25. Review status: criteria provided, single submitter. Criteria: Ambry Variant Classification Scheme 2023. Collection method: clinical testing. Allele origin: germline.

NM_000722.4(CACNA2D1):c.532A>G (p.Ile178Val)

Gene: CACNA2D1 (calcium voltage-gated channel auxiliary subunit alpha2delta 1; minus strand). Cytogenetic location: 7q21.11.
Variant type: single nucleotide variant.
Coding change: c.532A>G on transcript NM_000722.4 (MANE Select); coding-DNA position 532, A replaced by G.
Protein change: p.Ile178Val; replaces isoleucine 178 with valine.
Molecular consequence: missense variant.
Genome position (GRCh38, 1-based): chr7:82,084,895, T>C on the plus strand (A>G on the coding strand, the complement: CACNA2D1 is on the minus strand). VCF-style: chr7-82084895-T-C. GRCh37 (hg19) VCF-style: chr7-81714211-T-C.
Other names: c.532A>G, p.Ile178Val (NM_001302890.2, NM_001366867.1); short protein forms I178V.
Identifiers: ClinVar variation 952261 (VCV000952261.12), dbSNP rs80063198, ClinGen allele CA4318326.